The following is an entry in ClinVar:

NM_001042492.3(NF1):c.7205C>G (p.Ser2402Ter)

Gene: NF1 (neurofibromin 1; plus strand). Cytogenetic location: 17q11.2.
Variant type: single nucleotide variant.
Coding change: c.7205C>G on transcript NM_001042492.3 (MANE Select); coding-DNA position 7205, C replaced by G.
Protein change: p.Ser2402Ter; replaces serine 2402 with a stop codon.
Molecular consequence: nonsense.
Genome position (GRCh38, 1-based): chr17:31,349,135, C>G. VCF-style: chr17-31349135-C-G. GRCh37 (hg19) VCF-style: chr17-29676153-C-G.
Other names: c.7142C>G, p.Ser2381Ter (NM_000267.4); short protein forms S2381*, S2402*.
Identifiers: ClinVar variation 1339475 (VCV001339475.4), dbSNP rs2151572511, ClinGen allele CA399016685.
Genomic context (GRCh38, chr17:31,349,135, plus strand): 5'-ATTAATTCTTACTTGTTTGTTTGTTTGTTTGTTTGTTTTTTGTAGGGTACAGGCATCCTT[C>G]ACCTGCTATTGTTGCAAGAACAGTCAGAATTTTACATACACTACTAACTCTGGTTAACAA-3'

ClinVar aggregate classification (germline): Pathogenic. Review status: criteria provided, multiple submitters, no conflicts (2 of 4 stars). 2 submissions from 2 submitters: Pathogenic (2). Last evaluated 2024-10-28.

Conditions:
Neurofibromatosis, type 1 (NF1). Also called: VON RECKLINGHAUSEN DISEASE; Peripheral type neurofibromatosis; Neurofibromatosis, type I; NEUROFIBROMATOSIS, TYPE I, SOMATIC. Identifiers: Orphanet 636, MedGen C0027831, MONDO:0018975, OMIM 162200. Disease mechanism: loss of function.

Submissions (2):

Molecular Pathology, Peter Maccallum Cancer Centre
Classification: Pathogenic for Neurofibromatosis, type 1. Last evaluated: 2024-10-28. Review status: criteria provided, single submitter. Criteria: ACMG Guidelines, 2015. Collection method: clinical testing. Allele origin: germline. Inheritance: Autosomal dominant inheritance.

Molecular Medicine Center, Medical University of Sofia
Classification: Pathogenic for Neurofibromatosis, type 1. Last evaluated: 2022-01-24. Review status: criteria provided, single submitter. Criteria: ACMG Guidelines, 2015. Collection method: clinical testing. Allele origin: unknown. Inheritance: Autosomal dominant inheritance. Affected: yes. Observed: 1 heterozygote.